The following is an entry in ClinVar:

NM_003001.5(SDHC):c.278dup (p.Gly94fs)

Gene: SDHC (succinate dehydrogenase complex subunit C; plus strand). Cytogenetic location: 1q23.3.
Variant type: Duplication.
Coding change: c.278dup on transcript NM_003001.5 (MANE Select); coding-DNA position 278, one base duplicated (C; older notation c.278dupC).
Protein change: p.Gly94fs; shifts the reading frame from glycine 94.
Molecular consequence: frameshift variant. On other transcripts: non-coding transcript variant (1), intron variant (3).
Genome position (GRCh38, 1-based): chr1:161,356,713, C duplicated; the last of 3 consecutive C bases (chr1:161,356,711-161,356,713); duplicating any one gives the same sequence. VCF-style (leftmost placement, unchanged base first): chr1-161356710-T-TC. GRCh37 (hg19) VCF-style: chr1-161326500-T-TC.
Other names: c.176dup, p.Gly60fs (NM_001035512.3); c.119dup, p.Gly41fs (NM_001035513.3); c.398dup, p.Gly134fs (NM_001407115.1); c.221dup, p.Gly75fs (NM_001407116.1); c.215dup, p.Gly73fs (NM_001407117.1); c.170dup, p.Gly58fs (NM_001407118.1); c.167dup, p.Gly57fs (NM_001407119.1, NM_001407120.1); c.242-5616dup (NM_001035511.3); and 3 more; short protein forms G41fs, G60fs, G94fs, G134fs, G58fs, G57fs, G75fs, G73fs.
Identifiers: ClinVar variation 1072200 (VCV001072200.9), dbSNP rs1483039185, ClinGen allele CA526961814.

ClinVar aggregate classification (germline): Pathogenic/Likely pathogenic. Review status: criteria provided, multiple submitters, no conflicts (2 of 4 stars). 4 submissions from 4 submitters: Pathogenic (2); Likely pathogenic (2). Last evaluated 2025-07-10.

Conditions:
SDHC-related disorder. Also called: SDHC-related condition.
Pheochromocytoma/paraganglioma syndrome 3. Also called: Paragangliomas 3; GLOMUS TUMORS, FAMILIAL, 3; SDHC-Related Hereditary Paraganglioma-Pheochromocytoma Syndrome (Paragangliomas 3); SDHC-Related Hereditary Paraganglioma-Pheochromocytoma Syndrome. Identifiers: Orphanet 29072, MedGen C1854336, MONDO:0011544, OMIM 605373.
Gastrointestinal stromal tumor. Also called: Gastrointestinal stromal tumor, somatic; Gastrointestinal stroma tumor. Identifiers: Orphanet 44890, MedGen C0238198, MeSH D046152, MONDO:0011719, OMIM 606764, HP:0100723.
Hereditary cancer-predisposing syndrome. Also called: Hereditary Cancer Syndrome; Neoplastic Syndromes, Hereditary; Tumor predisposition; Hereditary neoplastic syndrome. Identifiers: Orphanet 140162, MedGen C0027672, MeSH D009386, MONDO:0015356.

Submissions (4):

Clinical Genetics Laboratory, Skane University Hospital Lund
Classification: Likely pathogenic for Pheochromocytoma/paraganglioma syndrome 3. Last evaluated: 2025-07-10. Review status: criteria provided, single submitter. Criteria: ACMG Guidelines, 2015. Collection method: clinical testing. Allele origin: germline. Affected: yes.
Comment: ACMG criteria used: PVS1, PP4_moderate.

Labcorp Genetics (formerly Invitae), Labcorp
Classification: Pathogenic for Pheochromocytoma/paraganglioma syndrome 3; Gastrointestinal stromal tumor. Last evaluated: 2025-06-15. Review status: criteria provided, single submitter. Criteria: Invitae Variant Classification Sherloc (09022015). Collection method: clinical testing. Allele origin: germline.
Comment: This sequence change creates a premature translational stop signal (p.Gly94Trpfs*4) in the SDHC gene. It is expected to result in an absent or disrupted protein product. Loss-of-function variants in SDHC are known to be pathogenic (PMID: 17667967, 19454582, 23282968, 24758179). This variant is present in population databases (no rsID available, gnomAD 0.0009%). This variant has not been reported in the literature in individuals affected with SDHC-related conditions. ClinVar contains an entry for this variant (Variation ID: 1072200). For these reasons, this variant has been classified as Pathogenic.

Ambry Genetics
Classification: Pathogenic for Hereditary cancer-predisposing syndrome. Last evaluated: 2025-02-18. Review status: criteria provided, single submitter. Criteria: Ambry Variant Classification Scheme 2023. Collection method: clinical testing. Allele origin: germline.
Comment: The c.278dupC pathogenic mutation, located in coding exon 5 of the SDHC gene, results from a duplication of C at nucleotide position 278, causing a translational frameshift with a predicted alternate stop codon (p.G94Wfs*4). This variant is considered to be rare based on population cohorts in the Genome Aggregation Database (gnomAD). This alteration is expected to result in loss of function by premature protein truncation or nonsense-mediated mRNA decay. As such, this alteration is interpreted as a disease-causing mutation.

Blueprint Genetics
Classification: Likely pathogenic for SDHC-related disorders. Last evaluated: 2022-09-30. Review status: criteria provided, single submitter. Criteria: ACMG Guidelines, 2015. Collection method: clinical testing. Allele origin: germline. Affected: yes. Observed: 1 variant allele.

Literature cited by the submitters: PubMed 17667967 (cited by Labcorp Genetics (formerly Invitae), Labcorp); PubMed 19454582 (cited by Labcorp Genetics (formerly Invitae), Labcorp); PubMed 23282968 (cited by Labcorp Genetics (formerly Invitae), Labcorp); PubMed 24758179 (cited by Labcorp Genetics (formerly Invitae), Labcorp).